The following is an entry in ClinVar:

NM_001953.5(TYMP):c.863_870dup (p.Leu291fs)

Gene: TYMP (thymidine phosphorylase; minus strand). Cytogenetic location: 22q13.33.
Variant type: Duplication.
Coding change: c.863_870dup on transcript NM_001953.5 (MANE Select); coding-DNA positions 863 to 870, 8 bases duplicated (AGGAGGCG; older notation c.863_870dupAGGAGGCG).
Protein change: p.Leu291fs; shifts the reading frame from leucine 291.
Molecular consequence: frameshift variant.
Genome position (GRCh38, 1-based): chr22:50,526,634-50,526,641, CGCCTCCT duplicated on the plus strand (AGGAGGCG on the coding strand, the reverse complement: TYMP is on the minus strand); duplicating any 8 consecutive bases within chr22:50,526,634-50,526,642 gives the same sequence; the c. name uses the placement nearest the transcript's 3' end. VCF-style (leftmost placement, unchanged base first): chr22-50526633-G-GCGCCTCCT. GRCh37 (hg19) VCF-style: chr22-50965062-G-GCGCCTCCT.
Other names: c.863_870dup, p.Leu291fs (NM_001113755.3, NM_001113756.3, NM_001257988.1 and 1 more transcripts); short protein forms L291fs.
Identifiers: ClinVar variation 5014934 (VCV005014934.1).

ClinVar aggregate classification (germline): Pathogenic (1 of 4 stars; one submission).

Conditions:
Mitochondrial DNA depletion syndrome 1. Also called: POLIP SYNDROME; POLYNEUROPATHY, OPHTHALMOPLEGIA, LEUKOENCEPHALOPATHY, AND INTESTINAL PSEUDOOBSTRUCTION; Mitochondrial Neurogastrointestinal Encephalopathy Disease; MITOCHONDRIAL NEUROGASTROINTESTINAL ENCEPHALOPATHY SYNDROME, TYMP-RELATED; MNGIE, TYMP-RELATED; Mitochondrial neurogastrointestinal encephalomyopathy syndrome. Identifiers: Orphanet 298, MedGen C4551995, MONDO:0011283, OMIM 603041.

Submission:

Myriad Genetics, Inc.
Classification: Pathogenic for Mitochondrial DNA depletion syndrome 1. Last evaluated: 2026-03-19. Review status: criteria provided, single submitter. Criteria: Myriad Autosomal Dominant, Autosomal Recessive and X-Linked Classification Criteria (2023). Collection method: clinical testing. Allele origin: unknown.
Comment: NM_001953.4(TYMP):c.863_870dup8(L291Rfs*15) is expected to be pathogenic in the context of mitochondrial neurogastrointestinal encephalopathy disease. This variant is predicted to lead to an abnormal or absent protein product due to the creation of a premature termination codon in TYMP, a gene where loss-of-function variants are known to be pathogenic. Please note: this variant was assessed in the context of healthy population screening.